The following is an entry in ClinVar:

ClinVar aggregate classification (germline): Uncertain significance. Review status: criteria provided, multiple submitters, no conflicts (2 of 4 stars). 2 submissions from 2 submitters: Uncertain significance (2). Last evaluated 2022-10-13.

Allele frequency attached by ClinVar (database versions not stated): ExAC 0.00001; gnomAD exomes 0.00001; TOPMed 0.00001.

Submissions (2):

Labcorp Genetics (formerly Invitae), Labcorp
Classification: Uncertain significance. Last evaluated: 2022-10-13. Review status: criteria provided, single submitter. Criteria: Invitae Variant Classification Sherloc (09022015). Collection method: clinical testing. Allele origin: germline.
Comment: In summary, the available evidence is currently insufficient to determine the role of this variant in disease. Therefore, it has been classified as a Variant of Uncertain Significance. Advanced modeling of protein sequence and biophysical properties (such as structural, functional, and spatial information, amino acid conservation, physicochemical variation, residue mobility, and thermodynamic stability) performed at Invitae indicates that this missense variant is not expected to disrupt COQ8A protein function. ClinVar contains an entry for this variant (Variation ID: 446799). This variant has not been reported in the literature in individuals affected with COQ8A-related conditions. This variant is present in population databases (rs765966679, gnomAD 0.002%). This sequence change replaces glutamic acid, which is acidic and polar, with lysine, which is basic and polar, at codon 113 of the COQ8A protein (p.Glu113Lys).

Athena Diagnostics
Classification: Uncertain significance. Last evaluated: 2017-05-31. Review status: criteria provided, single submitter. Criteria: Athena Diagnostics Criteria. Collection method: clinical testing. Allele origin: germline.

NM_020247.5(COQ8A):c.337G>A (p.Glu113Lys)

Gene: COQ8A (coenzyme Q8A; plus strand). Cytogenetic location: 1q42.13.
Variant type: single nucleotide variant.
Coding change: c.337G>A on transcript NM_020247.5 (MANE Select); coding-DNA position 337, G replaced by A.
Protein change: p.Glu113Lys; replaces glutamic acid 113 with lysine.
Molecular consequence: missense variant.
Genome position (GRCh38, 1-based): chr1:226,965,159, G>A. VCF-style: chr1-226965159-G-A. GRCh37 (hg19) VCF-style: chr1-227152860-G-A.
Other names: short protein forms E113K.
Identifiers: ClinVar variation 446799 (VCV000446799.5), dbSNP rs765966679, ClinGen allele CA1424992.